The following is an entry in ClinVar:

ClinVar aggregate classification (germline): Uncertain significance (1 of 4 stars; one submission).

Conditions:
Hereditary sensory and autonomic neuropathy type 6. Also called: HSAN VI; Neuropathy, hereditary sensory and autonomic, type VI. Identifiers: Orphanet 314381, MedGen C3539003, MONDO:0013839, OMIM 614653.
Epidermolysis bullosa simplex 3, localized or generalized intermediate, with BP230 deficiency (EBS3). Also called: Epidermolysis bullosa simplex due to BP230 deficiency; Epidermolysis bullosa simplex, autosomal recessive 2. Identifiers: Orphanet 412181, MedGen C3809470, MONDO:0014180, OMIM 615425.

Allele frequency attached by ClinVar (database versions not stated): TOPMed 0.00002.

Submission:

Labcorp Genetics (formerly Invitae), Labcorp
Classification: Uncertain significance for Epidermolysis bullosa simplex 3, localized or generalized intermediate, with BP230 deficiency; Hereditary sensory and autonomic neuropathy type 6. Last evaluated: 2022-09-01. Review status: criteria provided, single submitter. Criteria: Invitae Variant Classification Sherloc (09022015). Collection method: clinical testing. Allele origin: germline.
Comment: This variant is not present in population databases (gnomAD no frequency). This sequence change replaces valine, which is neutral and non-polar, with methionine, which is neutral and non-polar, at codon 2258 of the DST protein (p.Val2258Met). This variant has not been reported in the literature in individuals affected with DST-related conditions. In summary, the available evidence is currently insufficient to determine the role of this variant in disease. Therefore, it has been classified as a Variant of Uncertain Significance. Algorithms developed to predict the effect of missense changes on protein structure and function are either unavailable or do not agree on the potential impact of this missense change (SIFT: "Deleterious"; PolyPhen-2: "Benign"; Align-GVGD: "Class C15"). ClinVar contains an entry for this variant (Variation ID: 943092).

NM_001723.7(DST):c.6772G>A (p.Val2258Met)

Gene: DST (dystonin; minus strand). Cytogenetic location: 6p12.1.
Variant type: single nucleotide variant.
Coding change: c.6772G>A on transcript NM_001723.7 (MANE Plus Clinical); coding-DNA position 6772, G replaced by A.
Protein change: p.Val2258Met; replaces valine 2258 with methionine.
Molecular consequence: missense variant. On other transcripts: intron variant (10).
Genome position (GRCh38, 1-based): chr6:56,616,695, C>T on the plus strand (G>A on the coding strand, the complement: DST is on the minus strand). VCF-style: chr6-56616695-C-T. GRCh37 (hg19) VCF-style: chr6-56481493-C-T.
Other names: c.4831-2211G>A (NM_001144769.5); c.4930-2211G>A (NM_001374722.1, NM_001374736.1); c.4957-2211G>A (NM_001374734.1); c.4417-2211G>A (NM_001144770.2); c.4297-2211G>A (NM_001374730.1, NM_001386100.1, NM_183380.4 and 1 more transcripts); c.3319-2211G>A (NM_015548.5); short protein forms V2258M.
Identifiers: ClinVar variation 943092 (VCV000943092.10), dbSNP rs961364598, ClinGen allele CA139207856.